The following is an entry in ClinVar:

NM_006206.6(PDGFRA):c.1606G>A (p.Val536Met)

Gene: PDGFRA (platelet derived growth factor receptor alpha; plus strand). Cytogenetic location: 4q12.
Variant type: single nucleotide variant.
Coding change: c.1606G>A on transcript NM_006206.6 (MANE Select); coding-DNA position 1606, G replaced by A.
Protein change: p.Val536Met; replaces valine 536 with methionine.
Molecular consequence: missense variant.
Genome position (GRCh38, 1-based): chr4:54,274,578, G>A. VCF-style: chr4-54274578-G-A. GRCh37 (hg19) VCF-style: chr4-55140745-G-A.
Other names: c.1606G>A, p.Val536Met (NM_001347827.2, NM_001347829.2); c.1681G>A, p.Val561Met (NM_001347828.2); c.1645G>A, p.Val549Met (NM_001347830.2); c.1606G>A (NM_006206.4); short protein forms V561M, V549M, V536M.
Identifiers: ClinVar variation 1434108 (VCV001434108.7), dbSNP rs1265135270, ClinGen allele CA356892908.
Genomic context (GRCh38, chr4:54,274,578, plus strand): 5'-TCTTGTCACGTAGCCCTGCGTTCTGAACTCACGGTGGCTGCTGCAGTCCTGGTGCTGTTG[G>A]TGATTGTGATCATCTCACTTATTGTCCTGGTTGTCATTTGGAAACAGGTAGATATTTTCT-3'
Protein context (NP_006197.1, residues 526-546): TVAAAVLVLL[Val536Met]IVIISLIVLV

ClinVar aggregate classification (germline): Uncertain significance. Review status: criteria provided, multiple submitters, no conflicts (2 of 4 stars). 2 submissions from 2 submitters: Uncertain significance (2). Last evaluated 2025-06-16.

Conditions:
Gastrointestinal stromal tumor. Also called: Gastrointestinal stroma tumor; Gastrointestinal stromal tumor, somatic. Identifiers: Orphanet 44890, MedGen C0238198, MeSH D046152, MONDO:0011719, OMIM 606764, HP:0100723.
Hereditary cancer-predisposing syndrome. Also called: Hereditary neoplastic syndrome; Tumor predisposition; Hereditary Cancer Syndrome; Neoplastic Syndromes, Hereditary. Identifiers: Orphanet 140162, MedGen C0027672, MeSH D009386, MONDO:0015356.

Allele frequency attached by ClinVar (database versions not stated): gnomAD exomes below 0.00001 and 0.00001.
gnomAD v4.1: 3 of 1,613,856 alleles (0.00019%); highest among the groups gnomAD compares: South Asian, 0.0033%; no homozygotes.

Submissions (2):

Ambry Genetics
Classification: Uncertain significance for Hereditary cancer-predisposing syndrome. Last evaluated: 2025-06-16. Review status: criteria provided, single submitter. Criteria: Ambry Variant Classification Scheme 2023. Collection method: clinical testing. Allele origin: germline.
Comment: The p.V536M variant (also known as c.1606G>A), located in coding exon 10 of the PDGFRA gene, results from a G to A substitution at nucleotide position 1606. The valine at codon 536 is replaced by methionine, an amino acid with highly similar properties. This amino acid position is conserved. In addition, the in silico prediction for this alteration is inconclusive. Based on the available evidence, the clinical significance of this variant remains unclear.

Labcorp Genetics (formerly Invitae), Labcorp
Classification: Uncertain significance for Gastrointestinal stromal tumor. Last evaluated: 2023-12-08. Review status: criteria provided, single submitter. Criteria: Invitae Variant Classification Sherloc (09022015). Collection method: clinical testing. Allele origin: germline.
Comment: This sequence change replaces valine, which is neutral and non-polar, with methionine, which is neutral and non-polar, at codon 536 of the PDGFRA protein (p.Val536Met). This variant is present in population databases (no rsID available, gnomAD 0.003%). This variant has not been reported in the literature in individuals affected with PDGFRA-related conditions. ClinVar contains an entry for this variant (Variation ID: 1434108). Advanced modeling of protein sequence and biophysical properties (such as structural, functional, and spatial information, amino acid conservation, physicochemical variation, residue mobility, and thermodynamic stability) performed at Invitae indicates that this missense variant is not expected to disrupt PDGFRA protein function with a negative predictive value of 80%. In summary, the available evidence is currently insufficient to determine the role of this variant in disease. Therefore, it has been classified as a Variant of Uncertain Significance.